The following is an entry in ClinVar:

ClinVar aggregate classification (germline): Uncertain significance. Review status: criteria provided, multiple submitters, no conflicts (2 of 4 stars). 2 submissions from 2 submitters: Uncertain significance (2). Last evaluated 2024-03-25.

Conditions:
PHGDH deficiency. Identifiers: Orphanet 79351, MedGen C1866174, MONDO:0011152, OMIM 601815.

Allele frequency attached by ClinVar (database versions not stated): gnomAD 0.00001.
gnomAD v4.1: 6 of 1,614,178 alleles (0.00037%); highest among the groups gnomAD compares: Middle Eastern, 0.033%; no homozygotes.

Submissions (3):

Genomic Medicine Center of Excellence, King Faisal Specialist Hospital and Research Centre
Classification: Uncertain significance for PHGDH deficiency. Last evaluated: 2024-03-25. Review status: criteria provided, single submitter. Criteria: ACMG Guidelines, 2015. Collection method: clinical testing. Allele origin: germline.

Labcorp Genetics (formerly Invitae), Labcorp
Classification: Uncertain significance for PHGDH deficiency. Last evaluated: 2022-02-10. Review status: criteria provided, single submitter. Criteria: Invitae Variant Classification Sherloc (09022015). Collection method: clinical testing. Allele origin: germline.
Comment: This sequence change replaces valine, which is neutral and non-polar, with leucine, which is neutral and non-polar, at codon 316 of the PHGDH protein (p.Val316Leu). This variant is not present in population databases (gnomAD no frequency). This variant has not been reported in the literature in individuals affected with PHGDH-related conditions. Algorithms developed to predict the effect of missense changes on protein structure and function (SIFT, PolyPhen-2, Align-GVGD) all suggest that this variant is likely to be tolerated. In summary, the available evidence is currently insufficient to determine the role of this variant in disease. Therefore, it has been classified as a Variant of Uncertain Significance.

Dr. Peter K. Rogan Lab, Western University
No classification provided (evidence only). Condition: Thyroid cancer, nonmedullary, 1. Review status: no classification provided. Collection method: in vitro. Allele origin: not applicable. Functional consequence: retained intron. Not counted in ClinVar's aggregate classification.

NM_006623.4(PHGDH):c.946G>C (p.Val316Leu)

Gene: PHGDH (phosphoglycerate dehydrogenase; plus strand). Cytogenetic location: 1p12.
Variant type: single nucleotide variant.
Coding change: c.946G>C on transcript NM_006623.4 (MANE Select); coding-DNA position 946, G replaced by C.
Protein change: p.Val316Leu; replaces valine 316 with leucine.
Molecular consequence: missense variant.
Genome position (GRCh38, 1-based): chr1:119,740,386, G>C. VCF-style: chr1-119740386-G-C. GRCh37 (hg19) VCF-style: chr1-120283009-G-C.
Other names: short protein forms V316L.
Identifiers: ClinVar variation 1481021 (VCV001481021.7), dbSNP rs146398308, ClinGen allele CA341851803.